The following is an entry in ClinVar:

ClinVar aggregate classification (germline): Uncertain significance (1 of 4 stars; one submission).

Submission:

Labcorp Genetics (formerly Invitae), Labcorp
Classification: Uncertain significance. Last evaluated: 2022-06-28. Review status: criteria provided, single submitter. Criteria: Invitae Variant Classification Sherloc (09022015). Collection method: clinical testing. Allele origin: germline.
Comment: In summary, the available evidence is currently insufficient to determine the role of this variant in disease. Therefore, it has been classified as a Variant of Uncertain Significance. Algorithms developed to predict the effect of missense changes on protein structure and function are either unavailable or do not agree on the potential impact of this missense change (SIFT: "Deleterious"; PolyPhen-2: "Possibly Damaging"; Align-GVGD: "Class C0"). This variant has not been reported in the literature in individuals affected with PRPF8-related conditions. This variant is not present in population databases (gnomAD no frequency). This sequence change replaces proline, which is neutral and non-polar, with alanine, which is neutral and non-polar, at codon 1162 of the PRPF8 protein (p.Pro1162Ala).

NM_006445.4(PRPF8):c.3484C>G (p.Pro1162Ala)

Gene: PRPF8 (pre-mRNA processing factor 8; minus strand). Cytogenetic location: 17p13.3.
Variant type: single nucleotide variant.
Coding change: c.3484C>G on transcript NM_006445.4 (MANE Select); coding-DNA position 3484, C replaced by G.
Protein change: p.Pro1162Ala; replaces proline 1162 with alanine.
Molecular consequence: missense variant.
Genome position (GRCh38, 1-based): chr17:1,673,530, G>C on the plus strand (C>G on the coding strand, the complement: PRPF8 is on the minus strand). VCF-style: chr17-1673530-G-C. GRCh37 (hg19) VCF-style: chr17-1576824-G-C.
Other names: short protein forms P1162A.
Identifiers: ClinVar variation 1485029 (VCV001485029.6), dbSNP rs2151125963, ClinGen allele CA397539763.